The following is an entry in ClinVar:

NM_172245.4(CSF2RA):c.595C>T (p.Arg199Ter)

Gene: CSF2RA (colony stimulating factor 2 receptor subunit alpha; plus strand). Cytogenetic location: Xp22.33.
Variant type: single nucleotide variant.
Coding change: c.595C>T on transcript NM_172245.4 (MANE Select); coding-DNA position 595, C replaced by T.
Protein change: p.Arg199Ter; replaces arginine 199 with a stop codon.
Molecular consequence: nonsense. On other transcripts: non-coding transcript variant (1).
Genome position (GRCh38, 1-based): chrX:1,290,458, C>T. VCF-style: chrX-1290458-C-T. GRCh37 (hg19) VCF-style: chrX-1409351-C-T.
Other names: c.595C>T, p.Arg199Ter (NM_001161529.2, NM_001161530.2, NM_001161531.2 and 20 more transcripts); c.196C>T, p.Arg66Ter (NM_001161532.2); short protein forms R199*, R66*.
Identifiers: ClinVar variation 856809 (VCV000856809.10), dbSNP rs1395037247, ClinGen allele CA412235731.

ClinVar aggregate classification (germline): Pathogenic. Review status: criteria provided, multiple submitters, no conflicts (2 of 4 stars). 2 submissions from 2 submitters: Pathogenic (2). Last evaluated 2025-12-09.

Conditions:
Surfactant metabolism dysfunction, pulmonary, 4 (SMDP4). Also called: CSF2RA DEFICIENCY; PAP DUE TO CSF2RA DEFICIENCY; PULMONARY ALVEOLAR PROTEINOSIS, CONGENITAL, 4. Identifiers: Orphanet 264675, MedGen C2677877, MONDO:0010424, OMIM 300770.

Allele frequency attached by ClinVar (database versions not stated): gnomAD exomes below 0.00001 and 0.00002; TOPMed below 0.00001; gnomAD 0.00001.
gnomAD v4.1: 27 of 1,613,688 alleles (0.0017%); highest among the groups gnomAD compares: African/African-American, 0.004%; no homozygotes.

Submissions (2):

Labcorp Genetics (formerly Invitae), Labcorp
Classification: Pathogenic for Surfactant metabolism dysfunction, pulmonary, 4. Last evaluated: 2025-12-09. Review status: criteria provided, single submitter. Criteria: Invitae Variant Classification Sherloc (09022015). Collection method: clinical testing. Allele origin: germline.
Comment: This sequence change creates a premature translational stop signal (p.Arg199*) in the CSF2RA gene. It is expected to result in an absent or disrupted protein product. Loss-of-function variants in CSF2RA are known to be pathogenic (PMID: 20622029, 25425184). This variant is not present in population databases (gnomAD no frequency). This premature translational stop signal has been observed in individual(s) with pulmonary alveolar proteinosis (PMID: 25425184). ClinVar contains an entry for this variant (Variation ID: 856809). For these reasons, this variant has been classified as Pathogenic.

Mendelics
Classification: Pathogenic for Surfactant metabolism dysfunction, pulmonary, 4. Last evaluated: 2022-05-04. Review status: criteria provided, single submitter. Criteria: Mendelics Assertion Criteria 2019. Collection method: clinical testing. Allele origin: germline.

Literature cited by the submitters: PubMed 20622029 (cited by Labcorp Genetics (formerly Invitae), Labcorp); PubMed 25425184 (cited by Labcorp Genetics (formerly Invitae), Labcorp).